The following is an entry in ClinVar:

ClinVar aggregate classification (germline): Uncertain significance. Review status: criteria provided, multiple submitters, no conflicts (2 of 4 stars). 2 submissions from 2 submitters: Uncertain significance (2). Last evaluated 2025-06-10.

Allele frequency attached by ClinVar (database versions not stated): gnomAD 0.00001; gnomAD exomes 0.00001; TOPMed 0.00003.
gnomAD v4.1: 12 of 1,614,028 alleles (0.00074%); highest among the groups gnomAD compares: Middle Eastern, 0.016%; no homozygotes.

Submissions (2):

Ambry Genetics
Classification: Uncertain significance. Last evaluated: 2025-06-10. Review status: criteria provided, single submitter. Criteria: Ambry Variant Classification Scheme 2023. Collection method: clinical testing. Allele origin: germline.

Labcorp Genetics (formerly Invitae), Labcorp
Classification: Uncertain significance. Last evaluated: 2023-07-10. Review status: criteria provided, single submitter. Criteria: Invitae Variant Classification Sherloc (09022015). Collection method: clinical testing. Allele origin: germline.
Comment: This sequence change replaces glycine, which is neutral and non-polar, with arginine, which is basic and polar, at codon 643 of the HYOU1 protein (p.Gly643Arg). This variant is present in population databases (rs782613160, gnomAD 0.003%). This variant has not been reported in the literature in individuals affected with HYOU1-related conditions. An algorithm developed to predict the effect of missense changes on protein structure and function (PolyPhen-2) suggests that this variant is likely to be tolerated. In summary, the available evidence is currently insufficient to determine the role of this variant in disease. Therefore, it has been classified as a Variant of Uncertain Significance.

NM_006389.5(HYOU1):c.1927G>A (p.Gly643Arg)

Gene: HYOU1 (hypoxia up-regulated 1; minus strand). Cytogenetic location: 11q23.3.
Variant type: single nucleotide variant.
Coding change: c.1927G>A on transcript NM_006389.5 (MANE Select); coding-DNA position 1927, G replaced by A.
Protein change: p.Gly643Arg; replaces glycine 643 with arginine.
Molecular consequence: missense variant.
Genome position (GRCh38, 1-based): chr11:119,049,083, C>T on the plus strand (G>A on the coding strand, the complement: HYOU1 is on the minus strand). VCF-style: chr11-119049083-C-T. GRCh37 (hg19) VCF-style: chr11-118919795-C-T.
Other names: c.1927G>A (NM_006389.3); c.1927G>A, p.Gly643Arg (NM_001130991.3, NM_001411041.1); short protein forms G643R.
Identifiers: ClinVar variation 2907934 (VCV002907934.4), dbSNP rs782613160, ClinGen allele CA229619673.
Genomic context (GRCh38, chr11:119,049,083, plus strand): 5'-CCTCAGACTTGTCCCCATTTTCTTTTTCTGTGGCCTTTTCTCCCTCAGGGGTTGCATCTC[C>T]CTTAGGTTCAGGGGGTGGGGGCTGAGAGCCATCCTCCACTGGGGCCTCAGCTTCCTCCTT-3'
Protein context (NP_006380.1, residues 633-653): GSQPPPPEPK[Gly643Arg]DATPEGEKAT